The following is an entry in ClinVar:

NM_003611.3(OFD1):c.115C>G (p.Gln39Glu)

Gene: OFD1 (OFD1 centriole and centriolar satellite protein; plus strand). Cytogenetic location: Xp22.2.
Variant type: single nucleotide variant.
Coding change: c.115C>G on transcript NM_003611.3 (MANE Select); coding-DNA position 115, C replaced by G.
Protein change: p.Gln39Glu; replaces glutamine 39 with glutamic acid.
Molecular consequence: missense variant. On other transcripts: 5 prime UTR variant (1).
Genome position (GRCh38, 1-based): chrX:13,736,481, C>G. VCF-style: chrX-13736481-C-G. GRCh37 (hg19) VCF-style: chrX-13754600-C-G.
Other names: c.115C>G, p.Gln39Glu (NM_001330209.2); c.-431C>G (NM_001330210.2); short protein forms Q39E.
Identifiers: ClinVar variation 3365076 (VCV003365076.2).

ClinVar aggregate classification (germline): Uncertain significance (1 of 4 stars; one submission).

gnomAD v4.1: 3 of 1,208,029 alleles (0.00025%); highest among the groups gnomAD compares: Non-Finnish European, 0.00034%; no homozygotes.

Submission:

GeneDx
Classification: Uncertain significance. Last evaluated: 2025-09-23. Review status: criteria provided, single submitter. Criteria: GeneDx Variant Classification Process June 2021. Collection method: clinical testing. Allele origin: germline.
Comment: Not observed at significant frequency in large population cohorts (gnomAD); In silico analysis supports that this missense variant has a deleterious effect on protein structure/function; Has not been previously published as pathogenic or benign to our knowledge; In silico analysis suggests this variant may impact gene splicing. In the absence of RNA/functional studies, the actual effect of this sequence change is unknown.